The following is an entry in ClinVar:

NM_001018111.3(PODXL):c.707-7_707-5del

Gene: PODXL (podocalyxin like; minus strand). Cytogenetic location: 7q32.3.
Variant type: Deletion.
Coding change: c.707-7_707-5del on transcript NM_001018111.3 (MANE Select); 7 bases into the intron before coding-DNA position 707 through 5 bases into the intron before coding-DNA position 707, 3 bases deleted (TTT; older notation c.707-7_707-5delTTT).
Molecular consequence: intron variant.
Genome position (GRCh38, 1-based): chr7:131,510,336-131,510,338, AAA deleted on the plus strand (TTT on the coding strand, the reverse complement: PODXL is on the minus strand); deleting any 3 consecutive bases within chr7:131,510,336-131,510,362 gives the same sequence; the c. name uses the placement nearest the transcript's 3' end. VCF-style (leftmost placement, unchanged base first): chr7-131510335-GAAA-G. GRCh37 (hg19) VCF-style: chr7-131195094-GAAA-G.
Other names: p.?; c.706+490_706+492del (NM_005397.4).
Identifiers: ClinVar variation 4683311 (VCV004683311.1).
Genomic context (GRCh38, chr7:131,510,335, plus strand): 5'-CACCCGAGGTCAGGAGTTCAAGACCAGCCTGGCTGACATGGTGAAACACTGTCTCTACTT[GAAA>G]AAAAAAAAAAAAAAAAAAAAAAAATTAGCTGGTGTGCTGGTGCACACCTGTAGTCCCAGC-3'

ClinVar aggregate classification (germline): Benign (1 of 4 stars; one submission).

Submission:

Mayo Clinic Laboratories, Mayo Clinic
Classification: Benign. Last evaluated: 2023-01-30. Review status: criteria provided, single submitter. Criteria: ACMG Guidelines, 2015. Collection method: clinical testing. Allele origin: germline. Observed: 23 variant alleles.
Comment: BA1